The following is an entry in ClinVar:

ClinVar aggregate classification (germline): Uncertain significance (1 of 4 stars; one submission).

Conditions:
Inborn genetic diseases. Identifiers: MedGen C0950123, MeSH D030342.

gnomAD v4.1: 18 of 1,613,268 alleles (0.0011%); highest among the groups gnomAD compares: Non-Finnish European, 0.0015%; no homozygotes.

Submission:

Ambry Genetics
Classification: Uncertain significance for Inborn genetic diseases. Last evaluated: 2025-06-03. Review status: criteria provided, single submitter. Criteria: Ambry Variant Classification Scheme 2023. Collection method: clinical testing. Allele origin: germline.
Comment: The p.K509R variant (also known as c.1526A>G), located in coding exon 9 of the ERCC6L2 gene, results from an A to G substitution at nucleotide position 1526. The lysine at codon 509 is replaced by arginine, an amino acid with highly similar properties. This amino acid position is conserved. In addition, this alteration is predicted to be deleterious by in silico analysis. Based on the available evidence, the clinical significance of this variant remains unclear.

NM_020207.7(ERCC6L2):c.1526A>G (p.Lys509Arg)

Gene: ERCC6L2 (ERCC excision repair 6 like 2; plus strand). Cytogenetic location: 9q22.32.
Variant type: single nucleotide variant.
Coding change: c.1526A>G on transcript NM_020207.7 (MANE Select); coding-DNA position 1526, A replaced by G.
Protein change: p.Lys509Arg; replaces lysine 509 with arginine.
Molecular consequence: missense variant. On other transcripts: non-coding transcript variant (1).
Genome position (GRCh38, 1-based): chr9:95,923,372, A>G. VCF-style: chr9-95923372-A-G. GRCh37 (hg19) VCF-style: chr9-98685654-A-G.
Other names: c.1526A>G, p.Lys509Arg (NM_001010895.4, NM_001375291.1, NM_001375292.1 and 2 more transcripts); short protein forms K509R.
Identifiers: ClinVar variation 4019395 (VCV004019395.1).